The following is an entry in ClinVar:

NM_023110.3(FGFR1):c.2251G>A (p.Val751Met)

Gene: FGFR1 (fibroblast growth factor receptor 1; minus strand). Cytogenetic location: 8p11.23.
Variant type: single nucleotide variant.
Coding change: c.2251G>A on transcript NM_023110.3 (MANE Select); coding-DNA position 2251, G replaced by A.
Protein change: p.Val751Met; replaces valine 751 with methionine.
Molecular consequence: missense variant.
Genome position (GRCh38, 1-based): chr8:38,413,959, C>T on the plus strand (G>A on the coding strand, the complement: FGFR1 is on the minus strand). VCF-style: chr8-38413959-C-T. GRCh37 (hg19) VCF-style: chr8-38271477-C-T.
Other names: c.2245G>A, p.Val749Met (NM_001174063.2, NM_001174065.2, NM_001354367.2 and 1 more transcripts); c.2221G>A, p.Val741Met (NM_001174064.2); c.1984G>A, p.Val662Met (NM_001174066.2, NM_023105.3); c.2344G>A, p.Val782Met (NM_001174067.2); c.1972G>A, p.Val658Met (NM_001354368.2); c.2239G>A, p.Val747Met (NM_001354369.2); c.1978G>A, p.Val660Met (NM_001354370.2, NM_023106.3); short protein forms V658M, V662M, V741M, V749M, V782M, V660M, V747M, V751M.
Identifiers: ClinVar variation 1349091 (VCV001349091.7), dbSNP rs2150520798, ClinGen allele CA370727890.

ClinVar aggregate classification (germline): Uncertain significance. Review status: criteria provided, multiple submitters, no conflicts (2 of 4 stars). 2 submissions from 2 submitters: Uncertain significance (2). Last evaluated 2022-05-18.

Conditions:
Pfeiffer syndrome (ACS5). Also called: ACS V. Identifiers: Orphanet 710, MedGen C0220658, MONDO:0007043, OMIM 101600.
Hypogonadotropic hypogonadism 2 with or without anosmia (HH2). Also called: HYPOGONADOTROPIC HYPOGONADISM 2 WITHOUT ANOSMIA; HYPOGONADOTROPIC HYPOGONADISM 2 WITH OR WITHOUT ANOSMIA, SUSCEPTIBILITY TO; HYPOGONADOTROPIC HYPOGONADISM 2 WITHOUT ANOSMIA, SUSCEPTIBILITY TO; FGFR1-Related GnRH Deficiency (Kallmann Syndrome 2). Identifiers: Orphanet 478, MedGen C1563720, MONDO:0007844, OMIM 147950. Disease mechanism: loss of function.
Trigonocephaly 1 (TRIGNO1). Identifiers: Orphanet 3366, MedGen C0432122, MONDO:0008603, OMIM 190440.
Osteoglophonic dysplasia (OGD). Also called: Osteoglophonic dwarfism. Identifiers: Orphanet 2645, MedGen C0432283, MONDO:0008150, OMIM 166250.
Jackson-Weiss syndrome (JWS). Also called: CRANIOSYNOSTOSIS, MIDFACIAL HYPOPLASIA, AND FOOT ABNORMALITIES. Identifiers: Orphanet 1540, MedGen C0795998, MONDO:0007400, OMIM 123150. Disease mechanism: loss of function.
Hartsfield-Bixler-Demyer syndrome (HRTFDS). Also called: Holoprosencephaly, ectrodactyly, and bilateral cleft lip/palate; FGFR1-Related Hartsfield Syndrome; Hartsfield syndrome. Identifiers: Orphanet 2117, MedGen C1845146, MONDO:0014196, OMIM 615465. Disease mechanism: loss of function.
Encephalocraniocutaneous lipomatosis (ECCL). Identifiers: Orphanet 2396, MedGen C0406612, MONDO:0013074, OMIM 613001.

Submissions (2):

Fulgent Genetics
Classification: Uncertain significance for Pfeiffer syndrome; Jackson-Weiss syndrome; Hypogonadotropic hypogonadism 2 with or without anosmia; Osteoglophonic dysplasia; Trigonocephaly 1; Encephalocraniocutaneous lipomatosis; Hartsfield-Bixler-Demyer syndrome. Last evaluated: 2022-05-18. Review status: criteria provided, single submitter. Criteria: ACMG Guidelines, 2015. Collection method: clinical testing. Allele origin: unknown.

Labcorp Genetics (formerly Invitae), Labcorp
Classification: Uncertain significance for Pfeiffer syndrome; Hypogonadotropic hypogonadism 2 with or without anosmia. Last evaluated: 2021-12-21. Review status: criteria provided, single submitter. Criteria: Invitae Variant Classification Sherloc (09022015). Collection method: clinical testing. Allele origin: germline.
Comment: In summary, the available evidence is currently insufficient to determine the role of this variant in disease. Therefore, it has been classified as a Variant of Uncertain Significance. Algorithms developed to predict the effect of missense changes on protein structure and function are either unavailable or do not agree on the potential impact of this missense change (SIFT: "Deleterious"; PolyPhen-2: "Probably Damaging"; Align-GVGD: "Class C0"). This variant has not been reported in the literature in individuals affected with FGFR1-related conditions. This variant is not present in population databases (gnomAD no frequency). This sequence change replaces valine, which is neutral and non-polar, with methionine, which is neutral and non-polar, at codon 751 of the FGFR1 protein (p.Val751Met).